The following is an entry in ClinVar:

ClinVar aggregate classification (germline): Conflicting classifications of pathogenicity. Review status: criteria provided, conflicting classifications (1 of 4 stars). 10 submissions from 7 submitters: Uncertain significance (4); Benign (1); Likely benign (4). 1 of the submissions does not count toward it. Last evaluated 2025-12-29.

Conditions:
Nephrolithiasis/nephrocalcinosis. Identifiers: MedGen CN580796.
CASR-related disorder. Also called: CASR-related condition.
Autosomal dominant hypocalcemia 1 (HYPOC1). Also called: HYPOCALCEMIA, FAMILIAL. Identifiers: MedGen C3715128, MONDO:0011013, OMIM 601198.
Familial hypocalciuric hypercalcemia (FHH). Also called: Familial benign hypercalcemia. Identifiers: Orphanet 405, MedGen C1809471, MONDO:0018458.
Familial hypocalciuric hypercalcemia 1. Also called: Hypercalcemia, familial benign type 1. Identifiers: Orphanet 405, Orphanet 93372, MedGen C0342637, MONDO:0007791, OMIM 145980.
Neonatal severe primary hyperparathyroidism. Identifiers: Orphanet 417, MedGen C1832615, MONDO:0009397, OMIM 239200.
Familial hypoparathyroidism. Also called: Familial isolated hypoparathyroidism. Identifiers: Orphanet 2238, MedGen C1832648, MONDO:0016390.

Allele frequency attached by ClinVar (database versions not stated): gnomAD 0.00004; ExAC 0.00005; TOPMed 0.00005; gnomAD exomes 0.00007 and 0.00008.
gnomAD v4.1: 109 of 1,613,834 alleles (0.0068%); highest among the groups gnomAD compares: Admixed American, 0.015%; no homozygotes.

Submissions (10):

Center for Genomic Medicine, Rigshospitalet, Copenhagen University Hospital
Classification: Likely benign. Last evaluated: 2025-12-29. Review status: criteria provided, single submitter. Criteria: ACMG Guidelines, 2015. Collection method: clinical testing. Allele origin: germline.

Labcorp Genetics (formerly Invitae), Labcorp
Classification: Likely benign for Familial hypocalciuric hypercalcemia; Autosomal dominant hypocalcemia 1. Last evaluated: 2025-09-13. Review status: criteria provided, single submitter. Criteria: Invitae Variant Classification Sherloc (09022015). Collection method: clinical testing. Allele origin: germline.

Ambry Genetics
Classification: Likely benign for Nephrolithiasis/nephrocalcinosis. Last evaluated: 2019-02-14. Review status: criteria provided, single submitter. Criteria: Ambry Variant Classification Scheme 2023. Collection method: clinical testing. Allele origin: germline.

Athena Diagnostics
Classification: Benign. Last evaluated: 2018-10-02. Review status: criteria provided, single submitter. Criteria: Athena Diagnostics Criteria. Collection method: clinical testing. Allele origin: germline.

Illumina Laboratory Services, Illumina
Classification: Uncertain significance for Autosomal dominant hypocalcemia 1. Last evaluated: 2017-04-27. Review status: criteria provided, single submitter. Criteria: ICSL Variant Classification Criteria 13 December 2019. Collection method: clinical testing. Allele origin: germline.

Illumina Laboratory Services, Illumina
Classification: Likely benign for Familial isolated hypoparathyroidism. Last evaluated: 2017-04-27. Review status: criteria provided, single submitter. Criteria: ICSL Variant Classification Criteria 13 December 2019. Collection method: clinical testing. Allele origin: germline.
Comment: This variant was observed as part of a predisposition screen in an ostensibly healthy population. A literature search was performed for the gene, cDNA change, and amino acid change (where applicable). No publications were found based on this search. Allele frequency data from public databases allowed determination this variant is unlikely to cause disease. Therefore, this variant is classified as likely benign.

Illumina Laboratory Services, Illumina
Classification: Uncertain significance for Familial hypocalciuric hypercalcemia 1. Last evaluated: 2017-04-27. Review status: criteria provided, single submitter. Criteria: ICSL Variant Classification Criteria 13 December 2019. Collection method: clinical testing. Allele origin: germline.

Illumina Laboratory Services, Illumina
Classification: Uncertain significance for Neonatal severe primary hyperparathyroidism. Last evaluated: 2017-04-27. Review status: criteria provided, single submitter. Criteria: ICSL Variant Classification Criteria 13 December 2019. Collection method: clinical testing. Allele origin: germline.

Eurofins Ntd Llc (ga)
Classification: Uncertain significance. Last evaluated: 2016-01-08. Review status: criteria provided, single submitter. Criteria: EGL Classification Definitions 2015. Collection method: clinical testing. Allele origin: germline. Observed: 1 variant allele, 1 heterozygote.

PreventionGenetics, part of Exact Sciences
Classification: Likely benign for CASR-related condition. Last evaluated: 2022-01-24. Review status: no assertion criteria provided. Collection method: clinical testing. Allele origin: germline. Not counted in ClinVar's aggregate classification.
Comment: This variant is classified as likely benign based on ACMG/AMP sequence variant interpretation guidelines (Richards et al. 2015 PMID: 25741868, with internal and published modifications).

NM_000388.4(CASR):c.60C>T (p.Tyr20=)

Gene: CASR (calcium sensing receptor; plus strand). Cytogenetic location: 3q21.1.
Variant type: single nucleotide variant.
Coding change: c.60C>T on transcript NM_000388.4 (MANE Select); coding-DNA position 60, C replaced by T.
Protein change: p.Tyr20=; no amino-acid change (tyrosine 20 retained).
Molecular consequence: synonymous variant.
Genome position (GRCh38, 1-based): chr3:122,254,249, C>T. VCF-style: chr3-122254249-C-T. GRCh37 (hg19) VCF-style: chr3-121973096-C-T.
Other names: c.60C>T (NM_001178065.1); c.60C>T, p.Tyr20= (NM_001178065.2).
Identifiers: ClinVar variation 285281 (VCV000285281.25), dbSNP rs201564143, ClinGen allele CA2569413.